The following is an entry in ClinVar:

NM_001370259.2(MEN1):c.655-6_655-4del

Gene: MEN1 (menin 1; minus strand). Cytogenetic location: 11q13.1.
Variant type: Deletion.
Coding change: c.655-6_655-4del on transcript NM_001370259.2 (MANE Select); 6 bases into the intron before coding-DNA position 655 through 4 bases into the intron before coding-DNA position 655, 3 bases deleted (CCT; older notation c.655-6_655-4delCCT).
Molecular consequence: intron variant.
Genome position (GRCh38, 1-based): chr11:64,807,684-64,807,686, AGG deleted on the plus strand (CCT on the coding strand, the reverse complement: MEN1 is on the minus strand). VCF-style (leftmost placement, unchanged base first): chr11-64807683-TAGG-T. GRCh37 (hg19) VCF-style: chr11-64575155-TAGG-T.
Other names: c.655-6_655-4delCCT (NM_130799.2); c.670-6_670-4del (NM_130804.3, NM_130803.3, NM_000244.4 and 3 more transcripts); c.655-6_655-4del (NM_130799.3, NM_001370260.2, NM_001370251.2 and 1 more transcripts); c.550-6_550-4del (NM_001370263.2, NM_001370262.2).
Identifiers: ClinVar variation 527255 (VCV000527255.9), dbSNP rs1555165623, ClinGen allele CA658797673.
Genomic context (GRCh38, chr11:64,807,683, plus strand): 5'-ACGCCACCTCCATCTTGCGGTCACAGCGCATGTATGATCCTTTCAGGTACAGCCAGCTCT[TAGG>T]GGGGGATGAGATCATTATGTCTCATGATGGCCCACCCTGTGCCTGCTTCAGGGAATGACA-3'

ClinVar aggregate classification (germline): Uncertain significance. Review status: criteria provided, multiple submitters, no conflicts (2 of 4 stars). 2 submissions from 2 submitters: Uncertain significance (2). Last evaluated 2024-11-03.

Conditions:
Multiple endocrine neoplasia, type 1 (MEN1). Also called: MEN I; WERMER SYNDROME; Endocrine adenomatosis multiple; MEN 1; MEA I. Identifiers: Orphanet 652, MedGen C0025267, MeSH D018761, MONDO:0007540, OMIM 131100.
Hereditary cancer-predisposing syndrome. Also called: Neoplastic Syndromes, Hereditary; Tumor predisposition; Hereditary neoplastic syndrome; Hereditary Cancer Syndrome. Identifiers: Orphanet 140162, MedGen C0027672, MeSH D009386, MONDO:0015356.

Allele frequency attached by ClinVar (database versions not stated): gnomAD exomes below 0.00001.

Submissions (2):

Labcorp Genetics (formerly Invitae), Labcorp
Classification: Uncertain significance for Multiple endocrine neoplasia, type 1. Last evaluated: 2024-11-03. Review status: criteria provided, single submitter. Criteria: Invitae Variant Classification Sherloc (09022015). Collection method: clinical testing. Allele origin: germline.
Comment: This sequence change falls in intron 3 of the MEN1 gene. It does not directly change the encoded amino acid sequence of the MEN1 protein. This variant is not present in population databases (gnomAD no frequency). This variant has not been reported in the literature in individuals affected with MEN1-related conditions. ClinVar contains an entry for this variant (Variation ID: 527255). Algorithms developed to predict the effect of sequence changes on RNA splicing suggest that this variant may disrupt the consensus splice site. In summary, the available evidence is currently insufficient to determine the role of this variant in disease. Therefore, it has been classified as a Variant of Uncertain Significance.

Ambry Genetics
Classification: Uncertain significance for Hereditary cancer-predisposing syndrome. Last evaluated: 2024-09-12. Review status: criteria provided, single submitter. Criteria: Ambry Variant Classification Scheme 2023. Collection method: clinical testing. Allele origin: germline.
Comment: The c.655-6_655-4delCCT intronic variant, located in intron 2 of the MEN1 gene, results from a deletion of 3 nucleotides within intron 2 of the MEN1 gene. This nucleotide region is not well conserved in available vertebrate species. In silico splice site analysis predicts that this alteration will not have any significant effect on splicing. Based on the available evidence, the clinical significance of this variant remains unclear.